The following is an entry in ClinVar:

ClinVar aggregate classification (germline): Uncertain significance (1 of 4 stars; one submission).

Submission:

Ambry Genetics
Classification: Uncertain significance. Last evaluated: 2023-03-05. Review status: criteria provided, single submitter. Criteria: Ambry Variant Classification Scheme 2023. Collection method: clinical testing. Allele origin: germline.
Comment: The p.G395E variant (also known as c.1184G>A), located in coding exon 4 of the TMPO gene, results from a G to A substitution at nucleotide position 1184. The glycine at codon 395 is replaced by glutamic acid, an amino acid with similar properties. This amino acid position is conserved. In addition, this alteration is predicted to be tolerated by in silico analysis. Since supporting evidence is limited at this time, the clinical significance of this alteration remains unclear.

NM_001032283.3(TMPO):c.565+1603G>A

Gene: TMPO (thymopoietin; plus strand). Cytogenetic location: 12q23.1.
Variant type: single nucleotide variant.
Coding change: c.565+1603G>A on transcript NM_001032283.3 (MANE Select); 1603 bases into the intron after coding-DNA position 565, G replaced by A.
Molecular consequence: intron variant. On other transcripts: missense variant (1).
Genome position (GRCh38, 1-based): chr12:98,533,441, G>A. VCF-style: chr12-98533441-G-A. GRCh37 (hg19) VCF-style: chr12-98927219-G-A.
Other names: c.1184G>A, p.Gly395Glu (NM_003276.2); c.565+1603G>A (NM_001307975.2, NM_001032284.3); short protein forms G395E.
Identifiers: ClinVar variation 2447968 (VCV002447968.2), dbSNP rs2548503668, ClinGen allele CA386152652.